The following is an entry in ClinVar:

NM_006031.6(PCNT):c.2610-3C>T

Gene: PCNT (pericentrin; plus strand). Cytogenetic location: 21q22.3.
Variant type: single nucleotide variant.
Coding change: c.2610-3C>T on transcript NM_006031.6 (MANE Select); 3 bases into the intron before coding-DNA position 2610, C replaced by T.
Molecular consequence: intron variant.
Genome position (GRCh38, 1-based): chr21:46,366,581, C>T. VCF-style: chr21-46366581-C-T. GRCh37 (hg19) VCF-style: chr21-47786496-C-T.
Other names: c.2256-3C>T (NM_001315529.2).
Identifiers: ClinVar variation 3348797 (VCV003348797.1).
Genomic context (GRCh38, chr21:46,366,581, plus strand): 5'-TTTGCAAGGGTCATTGCTTCCTGATGCATGTTTAACTGTCCTGTGTTCACTTTGTTGCCG[C>T]AGGTTTTTAGAGGAACGTAAAGAGATCACCGAGAAATTCAGTGCGGAACAAGATGCCTTC-3'

ClinVar aggregate classification (germline): Likely benign (0 of 4 stars; one submission).

Conditions:
PCNT-related disorder. Also called: PCNT-related condition.

gnomAD v4.1: 5 of 1,613,232 alleles (0.00031%); highest among the groups gnomAD compares: African/African-American, 0.0027%; no homozygotes.

Submission:

PreventionGenetics, part of Exact Sciences
Classification: Likely benign for PCNT-related condition. Last evaluated: 2024-05-05. Review status: no assertion criteria provided. Collection method: clinical testing. Allele origin: germline.
Comment: This variant is classified as likely benign based on ACMG/AMP sequence variant interpretation guidelines (Richards et al. 2015 PMID: 25741868, with internal and published modifications).